The following is an entry in ClinVar:

ClinVar aggregate classification (germline): Pathogenic. Review status: criteria provided, multiple submitters, no conflicts (2 of 4 stars). 5 submissions from 5 submitters: Pathogenic (5). Last evaluated 2024-11-20.

Conditions:
Niemann-Pick disease, type C1. Also called: NIEMANN-PICK DISEASE, VARIANT TYPE C1; NEUROVISCERAL STORAGE DISEASE WITH VERTICAL SUPRANUCLEAR OPHTHALMOPLEGIA; NIEMANN-PICK DISEASE WITH CHOLESTEROL ESTERIFICATION BLOCK; NIEMANN-PICK DISEASE WITHOUT SPHINGOMYELINASE DEFICIENCY; NIEMANN-PICK DISEASE, CHRONIC NEURONOPATHIC FORM. Identifiers: Orphanet 646, MedGen C3179455, MONDO:0009757, OMIM 257220.
Niemann-Pick disease, type C (NPC). Identifiers: Orphanet 646, MedGen C0220756, MONDO:0018982.

Allele frequency attached by ClinVar (database versions not stated): TOPMed below 0.00001; ExAC 0.00001; gnomAD 0.00001; gnomAD exomes 0.00001; ESP Exome Variant Server 0.00008.
gnomAD v4.1: 10 of 1,609,316 alleles (0.00062%); highest among the groups gnomAD compares: East Asian, 0.0022%; no homozygotes.

Submissions (5):

Natera, Inc.
Classification: Pathogenic for Niemann-Pick disease type C1. Last evaluated: 2024-11-20. Review status: criteria provided, single submitter. Criteria: Natera Variant Classification Schema (03/2026). Collection method: clinical testing. Allele origin: germline.
Comment: The c.2800C>T variant in NPC1 is a nonsense variant predicted to introduce a stop codon at amino acid 934. This variant is expected to result in nonsense mediated decay, truncation, or a dysfunctional protein product. This variant is rare in the general population with a frequency below the threshold expected for the associated phenotype(s). This variant has been observed in one or more individuals affected with the associated recessive disease, as either homozygous or compound heterozygous with a second variant (PMID: 19252935). Given the available evidence, this variant is classified as Pathogenic.

Mayo Clinic Laboratories, Mayo Clinic
Classification: Pathogenic. Last evaluated: 2024-03-20. Review status: criteria provided, single submitter. Criteria: ACMG Guidelines, 2015. Collection method: clinical testing. Allele origin: germline. Observed: 1 variant allele.
Comment: PP4, PM2, PM3, PVS1

Labcorp Genetics (formerly Invitae), Labcorp
Classification: Pathogenic for Niemann-Pick disease, type C1. Last evaluated: 2023-05-12. Review status: criteria provided, single submitter. Criteria: Invitae Variant Classification Sherloc (09022015). Collection method: clinical testing. Allele origin: germline.
Comment: This sequence change creates a premature translational stop signal (p.Arg934*) in the NPC1 gene. It is expected to result in an absent or disrupted protein product. Loss-of-function variants in NPC1 are known to be pathogenic (PMID: 9211850). This variant is present in population databases (rs370721218, gnomAD 0.0009%). This premature translational stop signal has been observed in individuals with Niemann-Pick Type C (PMID: 19252935, 27599728, 32138288). ClinVar contains an entry for this variant (Variation ID: 917636). For these reasons, this variant has been classified as Pathogenic.

GeneDx
Classification: Pathogenic. Last evaluated: 2021-05-12. Review status: criteria provided, single submitter. Criteria: GeneDx Variant Classification Process June 2021. Collection method: clinical testing. Allele origin: germline. Affected: yes.
Comment: Nonsense variant predicted to result in protein truncation or nonsense mediated decay in a gene for which loss-of-function is a known mechanism of disease; This variant is associated with the following publications: (PMID: 27599728, 32138288, 22676771, 32709131, 20554533, 26790753, 27193329, 21344635, 19252935, 25525159)

Women's Health and Genetics/Laboratory Corporation of America, LabCorp
Classification: Pathogenic for Niemann-Pick disease, type C. Last evaluated: 2020-01-06. Review status: criteria provided, single submitter. Criteria: LabCorp Variant Classification Summary - May 2015. Collection method: clinical testing. Allele origin: germline.
Comment: Variant summary: NPC1 c.2800C>T (p.Arg934X) results in a premature termination codon, predicted to cause a truncation of the encoded protein or absence of the protein due to nonsense mediated decay, which are commonly known mechanisms for disease. The variant was absent in 248426 control chromosomes (gnomAD). c.2800C>T has been reported in the literature in multiple individuals affected with Niemann-Pick Disease Type C (e.g. Fancello_2009, Heron_2012). These data indicate that the variant is likely to be associated with disease. To our knowledge, no experimental evidence demonstrating an impact on protein function has been reported. No clinical diagnostic laboratories have submitted clinical-significance assessments for this variant to ClinVar after 2014. Based on the evidence outlined above, the variant was classified as pathogenic.

Literature cited by the submitters: PubMed 19252935 (cited by 4 submitters); PubMed 22676771 (cited by Mayo Clinic Laboratories, Mayo Clinic and Women's Health and Genetics/Laboratory Corporation of America, LabCorp); PubMed 26790753 (cited by Mayo Clinic Laboratories, Mayo Clinic); PubMed 27599728 (cited by Mayo Clinic Laboratories, Mayo Clinic and Labcorp Genetics (formerly Invitae), Labcorp); PubMed 32138288 (cited by Mayo Clinic Laboratories, Mayo Clinic and Labcorp Genetics (formerly Invitae), Labcorp); PubMed 35192242 (cited by Mayo Clinic Laboratories, Mayo Clinic); PubMed 9211850 (cited by Labcorp Genetics (formerly Invitae), Labcorp).

NM_000271.5(NPC1):c.2800C>T (p.Arg934Ter)

Gene: NPC1 (NPC intracellular cholesterol transporter 1; minus strand). Cytogenetic location: 18q11.2.
Variant type: single nucleotide variant.
Coding change: c.2800C>T on transcript NM_000271.5 (MANE Select); coding-DNA position 2800, C replaced by T.
Protein change: p.Arg934Ter; replaces arginine 934 with a stop codon.
Molecular consequence: nonsense.
Genome position (GRCh38, 1-based): chr18:23,539,466, G>A on the plus strand (C>T on the coding strand, the complement: NPC1 is on the minus strand). VCF-style: chr18-23539466-G-A. GRCh37 (hg19) VCF-style: chr18-21119430-G-A.
Other names: p.Arg934*; short protein forms R934*.
Identifiers: ClinVar variation 917636 (VCV000917636.18), dbSNP rs370721218, ClinGen allele CA8912953.